The following is an entry in ClinVar:

ClinVar aggregate classification (germline): Conflicting classifications of pathogenicity. Review status: criteria provided, conflicting classifications (1 of 4 stars). 3 submissions from 3 submitters: Uncertain significance (1); Likely benign (2). Last evaluated 2026-02-03.

Conditions:
Aortic aneurysm, familial thoracic 7 (AAT7). Also called: AORTIC DISSECTION, FAMILIAL, WITH OR WITHOUT AORTIC ANEURYSM. Identifiers: MedGen C3151077, MONDO:0013418, OMIM 613780.
Familial thoracic aortic aneurysm and aortic dissection (TAAD). Also called: Thoracic aortic aneurysms and dissections. Identifiers: Orphanet 91387, MedGen C4707243, MONDO:0019625.

Allele frequency attached by ClinVar (database versions not stated): TOPMed below 0.00001; gnomAD exomes 0.00001.
gnomAD v4.1: 14 of 1,613,894 alleles (0.00087%); highest among the groups gnomAD compares: African/African-American, 0.0027%; no homozygotes.

Submissions (3):

Ambry Genetics
Classification: Likely benign for Familial thoracic aortic aneurysm and aortic dissection. Last evaluated: 2026-02-03. Review status: criteria provided, single submitter. Criteria: Ambry Variant Classification Scheme 2023. Collection method: clinical testing. Allele origin: germline.

Labcorp Genetics (formerly Invitae), Labcorp
Classification: Uncertain significance for Aortic aneurysm, familial thoracic 7. Last evaluated: 2025-11-27. Review status: criteria provided, single submitter. Criteria: Invitae Variant Classification Sherloc (09022015). Collection method: clinical testing. Allele origin: germline.
Comment: This sequence change affects codon 1540 of the MYLK mRNA. It is a 'silent' change, meaning that it does not change the encoded amino acid sequence of the MYLK protein. It affects a nucleotide within the consensus splice site. This variant is present in population databases (no rsID available, gnomAD 0.003%). This variant has not been reported in the literature in individuals affected with MYLK-related conditions. ClinVar contains an entry for this variant (Variation ID: 1741962). Algorithms developed to predict the effect of sequence changes on RNA splicing suggest that this variant is not likely to affect RNA splicing. In summary, the available evidence is currently insufficient to determine the role of this variant in disease. Therefore, it has been classified as a Variant of Uncertain Significance.

Blueprint Genetics
Classification: Likely benign. Last evaluated: 2022-04-11. Review status: criteria provided, single submitter. Criteria: ACMG Guidelines, 2015. Collection method: clinical testing. Allele origin: germline.

NM_053025.4(MYLK):c.4620C>T (p.Ile1540=)

Gene: MYLK (myosin light chain kinase; minus strand). Cytogenetic location: 3q21.1.
Variant type: single nucleotide variant.
Coding change: c.4620C>T on transcript NM_053025.4 (MANE Select); coding-DNA position 4620, C replaced by T.
Protein change: p.Ile1540=; no amino-acid change (isoleucine 1540 retained).
Molecular consequence: synonymous variant.
Genome position (GRCh38, 1-based): chr3:123,640,504, G>A on the plus strand (C>T on the coding strand, the complement: MYLK is on the minus strand). VCF-style: chr3-123640504-G-A. GRCh37 (hg19) VCF-style: chr3-123359351-G-A.
Other names: c.4092C>T, p.Ile1364= (NM_001321309.2); c.4413C>T, p.Ile1471= (NM_053026.4, NM_053028.4); c.4620C>T, p.Ile1540= (NM_053027.4).
Identifiers: ClinVar variation 1741962 (VCV001741962.5), dbSNP rs1386210293, ClinGen allele CA435298328.